The following is an entry in ClinVar:

ClinVar aggregate classification (germline): Uncertain significance (1 of 4 stars; one submission).

Conditions:
X-linked mixed hearing loss with perilymphatic gusher. Also called: NANCE DEAFNESS; PERILYMPHATIC GUSHER-DEAFNESS SYNDROME; SENSORINEURAL DEAFNESS, PROFOUND, WITH OR WITHOUT A CONDUCTIVE COMPONENT, ASSOCIATED WITH A UNIQUE DEVELOPMENTAL ABNORMALITY OF THE EAR; Deafness, X-linked 2; Gusher syndrome. Identifiers: Orphanet 383, MedGen C1844678, MONDO:0010576, OMIM 304400.

Allele frequency attached by ClinVar (database versions not stated): gnomAD 0.00002; gnomAD exomes 0.00003; TOPMed 0.00003; ExAC 0.00007.
gnomAD v4.1: 23 of 1,203,954 alleles (0.0019%); highest among the groups gnomAD compares: Non-Finnish European, 0.0024%; no homozygotes.

Submission:

Laboratory of Medical Genetics, National & Kapodistrian University of Athens
Classification: Uncertain significance for X-linked mixed hearing loss with perilymphatic gusher. Last evaluated: 2021-10-06. Review status: criteria provided, single submitter. Criteria: ACMG Guidelines, 2015. Collection method: clinical testing. Allele origin: unknown.
Comment: PP2, PP3

NM_000307.5(POU3F4):c.442G>C (p.Gly148Arg)

Gene: POU3F4 (POU class 3 homeobox 4; plus strand). Cytogenetic location: Xq21.1.
Variant type: single nucleotide variant.
Coding change: c.442G>C on transcript NM_000307.5 (MANE Select); coding-DNA position 442, G replaced by C.
Protein change: p.Gly148Arg; replaces glycine 148 with arginine.
Molecular consequence: missense variant.
Genome position (GRCh38, 1-based): chrX:83,508,766, G>C. VCF-style: chrX-83508766-G-C. GRCh37 (hg19) VCF-style: chrX-82763774-G-C.
Other names: short protein forms G148R.
Identifiers: ClinVar variation 1299608 (VCV001299608.1), dbSNP rs773169987, ClinGen allele CA10462778.
Genomic context (GRCh38, chrX:83,508,766, plus strand): 5'-GGCCAACCCCTCAACGTGTACTCGCAGCCTGGCTTCACCGTGAGCGGCATGCTGGAACAC[G>C]GGGGACTCACCCCACCTCCAGCTGCCGCCTCTGCACAGAGCCTGCACCCGGTGCTCCGAG-3'
Protein context (NP_000298.3, residues 138-158): GFTVSGMLEH[Gly148Arg]GLTPPPAAAS